The following is an entry in ClinVar:

NM_001371986.1(UNC80):c.2231A>G (p.Glu744Gly)

Gene: UNC80 (unc-80 subunit of NALCN channel complex; plus strand). Cytogenetic location: 2q34.
Variant type: single nucleotide variant.
Coding change: c.2231A>G on transcript NM_001371986.1 (MANE Select); coding-DNA position 2231, A replaced by G.
Protein change: p.Glu744Gly; replaces glutamic acid 744 with glycine.
Molecular consequence: missense variant.
Genome position (GRCh38, 1-based): chr2:209,820,579, A>G. VCF-style: chr2-209820579-A-G. GRCh37 (hg19) VCF-style: chr2-210685303-A-G.
Other names: c.2231A>G, p.Glu744Gly (NM_032504.2, NM_182587.4); short protein forms E744G.
Identifiers: ClinVar variation 708532 (VCV000708532.14), dbSNP rs202155016, ClinGen allele CA2083002.

ClinVar aggregate classification (germline): Conflicting classifications of pathogenicity. Review status: criteria provided, conflicting classifications (1 of 4 stars). 3 submissions from 3 submitters: Uncertain significance (1); Likely benign (1). 1 of the submissions does not count toward it. Last evaluated 2026-01-28.

Conditions:
UNC80-related disorder. Also called: UNC80-related condition.

Allele frequency attached by ClinVar (database versions not stated): gnomAD exomes 0.00033 and 0.00059; ExAC 0.00083; 1000 Genomes Project 30x 0.00187; ESP Exome Variant Server 0.00219; 1000 Genomes Project 0.00220; gnomAD 0.00291 and 0.00317; TOPMed 0.00344.
gnomAD v4.1: 906 of 1,550,564 alleles (0.058%); highest among the groups gnomAD compares: African/African-American, 1.1%; 6 homozygotes.

Submissions (3):

Labcorp Genetics (formerly Invitae), Labcorp
Classification: Likely benign. Last evaluated: 2026-01-28. Review status: criteria provided, single submitter. Criteria: Invitae Variant Classification Sherloc (09022015). Collection method: clinical testing. Allele origin: germline.

Blueprint Genetics
Classification: Uncertain significance. Last evaluated: 2024-08-06. Review status: criteria provided, single submitter. Criteria: ACMG Guidelines, 2015. Collection method: clinical testing. Allele origin: germline.

PreventionGenetics, part of Exact Sciences
Classification: Benign for UNC80-related condition. Last evaluated: 2022-10-21. Review status: no assertion criteria provided. Collection method: clinical testing. Allele origin: germline. Not counted in ClinVar's aggregate classification.
Comment: This variant is classified as benign based on ACMG/AMP sequence variant interpretation guidelines (Richards et al. 2015 PMID: 25741868, with internal and published modifications).